The following is an entry in ClinVar:

ClinVar aggregate classification (germline): Uncertain significance (1 of 4 stars; one submission).

Conditions:
Cornelia de Lange syndrome 1 (CDLS1). Also called: Brachmann de Lange syndrome; NIPBL-Related Cornelia de Lange Syndrome; TYPUS DEGENERATIVUS AMSTELODAMENSIS. Identifiers: Orphanet 199, MedGen C4551851, MONDO:0007387, OMIM 122470.

Allele frequency attached by ClinVar (database versions not stated): gnomAD exomes below 0.00001; ExAC 0.00001.

Submission:

Labcorp Genetics (formerly Invitae), Labcorp
Classification: Uncertain significance for Cornelia de Lange syndrome 1. Last evaluated: 2025-03-17. Review status: criteria provided, single submitter. Criteria: Invitae Variant Classification Sherloc (09022015). Collection method: clinical testing. Allele origin: germline.
Comment: This sequence change replaces threonine, which is neutral and polar, with alanine, which is neutral and non-polar, at codon 35 of the NIPBL protein (p.Thr35Ala). This variant is present in population databases (rs763015442, gnomAD 0.0009%). This missense change has been observed in individual(s) with clinical features of NIPBL-related conditions (PMID: 30029678). ClinVar contains an entry for this variant (Variation ID: 3020510). Invitae Evidence Modeling of protein sequence and biophysical properties (such as structural, functional, and spatial information, amino acid conservation, physicochemical variation, residue mobility, and thermodynamic stability) indicates that this missense variant is expected to disrupt NIPBL protein function with a positive predictive value of 80%. In summary, the available evidence is currently insufficient to determine the role of this variant in disease. Therefore, it has been classified as a Variant of Uncertain Significance.

Literature cited by the submitters: PubMed 30029678.

NM_133433.4(NIPBL):c.103A>G (p.Thr35Ala)

Gene: NIPBL (NIPBL cohesin loading factor; plus strand). Cytogenetic location: 5p13.2.
Variant type: single nucleotide variant.
Coding change: c.103A>G on transcript NM_133433.4 (MANE Select); coding-DNA position 103, A replaced by G.
Protein change: p.Thr35Ala; replaces threonine 35 with alanine.
Molecular consequence: missense variant.
Genome position (GRCh38, 1-based): chr5:36,955,510, A>G. VCF-style: chr5-36955510-A-G. GRCh37 (hg19) VCF-style: chr5-36955612-A-G.
Other names: c.103A>G, p.Thr35Ala (NM_015384.5); short protein forms T35A.
Identifiers: ClinVar variation 3020510 (VCV003020510.3), dbSNP rs763015442, ClinGen allele CA3235742.